The following is an entry in ClinVar:

ClinVar aggregate classification (germline): Likely benign (0 of 4 stars; one submission).

Conditions:
WDR36-related disorder. Also called: WDR36-related condition.

Allele frequency attached by ClinVar (database versions not stated): gnomAD exomes below 0.00001; ExAC 0.00001; gnomAD 0.00001; TOPMed 0.00002.
gnomAD v4.1: 5 of 1,612,758 alleles (0.00031%); highest among the groups gnomAD compares: African/African-American, 0.0013%; no homozygotes.

Submission:

PreventionGenetics, part of Exact Sciences
Classification: Likely benign for WDR36-related condition. Last evaluated: 2019-08-26. Review status: no assertion criteria provided. Collection method: clinical testing. Allele origin: germline.
Comment: This variant is classified as likely benign based on ACMG/AMP sequence variant interpretation guidelines (Richards et al. 2015 PMID: 25741868, with internal and published modifications).

NM_139281.3(WDR36):c.2269-4T>C

Gene: WDR36 (WD repeat domain 36; plus strand). Cytogenetic location: 5q22.1.
Variant type: single nucleotide variant.
Coding change: c.2269-4T>C on transcript NM_139281.3 (MANE Select); 4 bases into the intron before coding-DNA position 2269, T replaced by C.
Molecular consequence: intron variant.
Genome position (GRCh38, 1-based): chr5:111,124,104, T>C. VCF-style: chr5-111124104-T-C. GRCh37 (hg19) VCF-style: chr5-110459802-T-C.
Identifiers: ClinVar variation 3053445 (VCV003053445.2), dbSNP rs770712741, ClinGen allele CA3366036.